The following is an entry in ClinVar:

NM_014714.4(IFT140):c.3028del (p.Leu1010fs)

Genes: IFT140 (intraflagellar transport 140; minus strand), LOC126862260 (CDK7 strongly-dependent group 2 enhancer GRCh37_chr16:1574508-1575707; plus strand). Cytogenetic location: 16p13.3.
Variant type: Deletion.
Coding change: c.3028del on transcript NM_014714.4 (MANE Select); coding-DNA position 3028, one base deleted (C; older notation c.3028delC).
Protein change: p.Leu1010fs; shifts the reading frame from leucine 1010.
Molecular consequence: frameshift variant.
Genome position (GRCh38, 1-based): chr16:1,524,665, G deleted on the plus strand (C on the coding strand, the reverse complement: IFT140 is on the minus strand); the first of 2 consecutive G bases (chr16:1,524,665-1,524,666); deleting either gives the same sequence. VCF-style (leftmost placement, unchanged base first): chr16-1524664-AG-A. GRCh37 (hg19) VCF-style: chr16-1574665-AG-A.
Other names: short protein forms L1010fs.
Identifiers: ClinVar variation 3774580 (VCV003774580.1).

ClinVar aggregate classification (germline): Likely pathogenic (1 of 4 stars; one submission).

Conditions:
Retinitis pigmentosa 80 (RP80). Identifiers: MedGen C4540439, MONDO:0054708, OMIM 617781.

Submission:

MVZ Medizinische Genetik Mainz
Classification: Likely pathogenic for Retinitis pigmentosa 80. Last evaluated: 2025-02-19. Review status: criteria provided, single submitter. Criteria: UK Practice Guidelines For Variant Classification V4 01 2020. Collection method: clinical testing. Allele origin: germline. Inheritance: Autosomal dominant inheritance. Affected: yes. Observed: 1 variant allele.
Comment: ACMG Criteria: PVS1,PM2_SUP